The following is an entry in ClinVar:

NM_001006658.3(CR2):c.2240G>A (p.Gly747Glu)

Gene: CR2 (complement C3d receptor 2; plus strand). Cytogenetic location: 1q32.2.
Variant type: single nucleotide variant.
Coding change: c.2240G>A on transcript NM_001006658.3 (MANE Select); coding-DNA position 2240, G replaced by A.
Protein change: p.Gly747Glu; replaces glycine 747 with glutamic acid.
Molecular consequence: missense variant.
Genome position (GRCh38, 1-based): chr1:207,473,885, G>A. VCF-style: chr1-207473885-G-A. GRCh37 (hg19) VCF-style: chr1-207647230-G-A.
Other names: c.2063G>A, p.Gly688Glu (NM_001877.5); short protein forms G688E, G747E.
Identifiers: ClinVar variation 968296 (VCV000968296.9), dbSNP rs1273753802, ClinGen allele CA344536626.
Genomic context (GRCh38, chr1:207,473,885, plus strand): 5'-GTCTTCAAGAACTTCCAGCTGGTTCACGTGTGGAGCTAGTTAATACGTCCTGCCAAGATG[G>A]GTGAGTATGAAGTGGTCTATTCTGAGAAAAGGTCTCAACCTTGTTTTGTGGATTAACTTG-3'
Protein context (NP_001006659.1, residues 737-757): VELVNTSCQD[Gly747Glu]YQLTGHAYQM

ClinVar aggregate classification (germline): Uncertain significance (1 of 4 stars; one submission).

Conditions:
Immunodeficiency, common variable, 7. Identifiers: Orphanet 1572, Orphanet 696894, MedGen C3542922, MONDO:0013862, OMIM 614699.

gnomAD v4.1: 1 of 1,613,486 alleles (0.000062%); no homozygotes.

Submission:

Labcorp Genetics (formerly Invitae), Labcorp
Classification: Uncertain significance for Immunodeficiency, common variable, 7. Last evaluated: 2024-04-29. Review status: criteria provided, single submitter. Criteria: Invitae Variant Classification Sherloc (09022015). Collection method: clinical testing. Allele origin: germline.
Comment: This sequence change replaces glycine, which is neutral and non-polar, with glutamic acid, which is acidic and polar, at codon 747 of the CR2 protein (p.Gly747Glu). This variant also falls at the last nucleotide of exon 12, which is part of the consensus splice site for this exon. This variant is not present in population databases (gnomAD no frequency). This variant has not been reported in the literature in individuals affected with CR2-related conditions. ClinVar contains an entry for this variant (Variation ID: 968296). An algorithm developed to predict the effect of missense changes on protein structure and function (PolyPhen-2) suggests that this variant is likely to be disruptive. Variants that disrupt the consensus splice site are a relatively common cause of aberrant splicing (PMID: 17576681, 9536098). In summary, the available evidence is currently insufficient to determine the role of this variant in disease. Therefore, it has been classified as a Variant of Uncertain Significance.

Literature cited by the submitters: PubMed 17576681; PubMed 9536098.